The following is an entry in ClinVar:

NM_178014.4(TUBB):c.651G>A (p.Leu217=)

Gene: TUBB (tubulin beta class I; plus strand). Cytogenetic location: 6p21.33.
Variant type: single nucleotide variant.
Coding change: c.651G>A on transcript NM_178014.4 (MANE Select); coding-DNA position 651, G replaced by A.
Protein change: p.Leu217=; no amino-acid change (leucine 217 retained).
Molecular consequence: synonymous variant. On other transcripts: intron variant (1).
Genome position (GRCh38, 1-based): chr6:30,723,713, G>A. VCF-style: chr6-30723713-G-A. GRCh37 (hg19) VCF-style: chr6-30691490-G-A.
Other names: c.711G>A, p.Leu237= (NM_001293212.2); c.519G>A, p.Leu173= (NM_001293214.2); c.435G>A, p.Leu145= (NM_001293215.2, NM_001293216.2); c.369+282G>A (NM_001293213.2).
Identifiers: ClinVar variation 380920 (VCV000380920.1), dbSNP rs25497, ClinGen allele CA3703547.

ClinVar aggregate classification (germline): Benign (1 of 4 stars; one submission).

Allele frequency attached by ClinVar (database versions not stated): gnomAD exomes 0.01694 and 0.02408; ESP Exome Variant Server 0.02460; ExAC 0.02504; gnomAD 0.02583 and 0.02673; TOPMed 0.03011; 1000 Genomes Project 30x 0.04513; 1000 Genomes Project 0.04533.
gnomAD v4.1: 29,096 of 1,614,152 alleles (1.8%); highest among the groups gnomAD compares: East Asian, 13%; 884 homozygotes.

Submission:

GeneDx
Classification: Benign. Last evaluated: 2016-04-02. Review status: criteria provided, single submitter. Criteria: GeneDx Variant Classification (06012015). Collection method: clinical testing. Allele origin: germline. Affected: yes.
Comment: This variant is considered likely benign or benign based on one or more of the following criteria: it is a conservative change, it occurs at a poorly conserved position in the protein, it is predicted to be benign by multiple in silico algorithms, and/or has population frequency not consistent with disease.